The following is an entry in ClinVar:

ClinVar aggregate classification (germline): Conflicting classifications of pathogenicity. Review status: criteria provided, conflicting classifications (1 of 4 stars). 7 submissions from 7 submitters: Uncertain significance (6); Likely benign (1). Last evaluated 2026-01-19.

Conditions:
Cardiovascular phenotype. Identifiers: MedGen CN230736.
Arrhythmogenic cardiomyopathy with wooly hair and keratoderma. Also called: Carvajal syndrome; Dilated cardiomyopathy with woolly hair and keratoderma; Arrhythmogenic cardiomyopathy with woolly hair and keratoderma; PALMOPLANTAR KERATODERMA WITH LEFT VENTRICULAR CARDIOMYOPATHY AND WOOLLY HAIR. Identifiers: Orphanet 65282, MedGen C1854063, MONDO:0011581, OMIM 605676.
Arrhythmogenic right ventricular dysplasia 8 (ARVD8). Also called: Arrhythmogenic Right Ventricular Dysplasia/Cardiomyopathy 8; ARRHYTHMOGENIC RIGHT VENTRICULAR DYSPLASIA, FAMILIAL, 8; ARRHYTHMOGENIC RIGHT VENTRICULAR CARDIOMYOPATHY 8. Identifiers: MedGen C1843896, MONDO:0011831, OMIM 607450.
Cardiomyopathy (CMYO). Also called: Cardiomyopathies. Identifiers: Orphanet 167848, MedGen C0878544, MONDO:0004994, HP:0001638. Inheritance: Various modes of inheritance.

Allele frequency attached by ClinVar (database versions not stated): gnomAD exomes 0.00001 and 0.00002; TOPMed 0.00002; ExAC 0.00003.
gnomAD v4.1: 29 of 1,605,814 alleles (0.0018%); highest among the groups gnomAD compares: Non-Finnish European, 0.0022%; no homozygotes.

Submissions (7):

Labcorp Genetics (formerly Invitae), Labcorp
Classification: Likely benign for Arrhythmogenic cardiomyopathy with wooly hair and keratoderma; Arrhythmogenic right ventricular dysplasia 8. Last evaluated: 2026-01-19. Review status: criteria provided, single submitter. Criteria: Invitae Variant Classification Sherloc (09022015). Collection method: clinical testing. Allele origin: germline.

Mayo Clinic Laboratories, Mayo Clinic
Classification: Uncertain significance. Last evaluated: 2025-09-20. Review status: criteria provided, single submitter. Criteria: ACMG Guidelines, 2015. Collection method: clinical testing. Allele origin: germline. Observed: 1 variant allele.
Comment: BP4, PM2_supporting

All of Us Research Program, National Institutes of Health
Classification: Uncertain significance for Arrhythmogenic cardiomyopathy with wooly hair and keratoderma. Last evaluated: 2024-07-20. Review status: criteria provided, single submitter. Criteria: ACMG Guidelines, 2015. Collection method: clinical testing. Allele origin: germline. Inheritance: Autosomal dominant inheritance. Observed: 10 variant alleles, 10 heterozygotes.
Comment: This missense variant replaces glutamic acid with lysine at codon 21 of the DSP protein. Computational prediction suggests that this variant may not impact protein structure and function (internally defined REVEL score threshold <= 0.5, PMID: 27666373). To our knowledge, functional studies have not been reported for this variant. This variant has been reported in an individual affected with arrhythmogenic right ventricular cardiomyopathy, who also carried a truncation variant in the DSC2 gene (PMID: 28527814). This variant has been identified in 3/224706 chromosomes in the general population by the Genome Aggregation Database (gnomAD). The available evidence is insufficient to determine the role of this variant in disease conclusively. Therefore, this variant is classified as a Variant of Uncertain Significance.

This study involves interpretation of variants in research participants for the purpose of population health screening. Participant phenotype was not available at the time of variant classification. Additional details can be found in publication PMID: 35346344, PMCID: PMC8962531

Color Diagnostics, LLC DBA Color Health
Classification: Uncertain significance for Cardiomyopathy. Last evaluated: 2024-02-08. Review status: criteria provided, single submitter. Criteria: ACMG Guidelines, 2015. Collection method: clinical testing. Allele origin: germline.
Comment: This missense variant replaces glutamic acid with lysine at codon 21 of the DSP protein. Computational prediction suggests that this variant may not impact protein structure and function (internally defined REVEL score threshold <= 0.5, PMID: 27666373). To our knowledge, functional studies have not been reported for this variant. This variant has been reported in an individual affected with arrhythmogenic right ventricular cardiomyopathy, who also carried a truncation variant in the DSC2 gene (PMID: 28527814). This variant has been identified in 3/224706 chromosomes in the general population by the Genome Aggregation Database (gnomAD). The available evidence is insufficient to determine the role of this variant in disease conclusively. Therefore, this variant is classified as a Variant of Uncertain Significance.

GeneDx
Classification: Uncertain significance. Last evaluated: 2022-05-09. Review status: criteria provided, single submitter. Criteria: GeneDx Variant Classification Process June 2021. Collection method: clinical testing. Allele origin: germline. Affected: yes.
Comment: Has been reported in individuals with ARVC (Castelletti et al., 2017; Ye et al., 2019); Not observed at a significant frequency in large population cohorts (gnomAD); In silico analysis supports that this missense variant does not alter protein structure/function; This variant is associated with the following publications: (PMID: 31402444, 28527814)

Blueprint Genetics
Classification: Uncertain significance. Last evaluated: 2020-09-24. Review status: criteria provided, single submitter. Criteria: ACMG Guidelines, 2015. Collection method: clinical testing. Allele origin: germline.

Ambry Genetics
Classification: Uncertain significance for Cardiovascular phenotype. Last evaluated: 2020-03-27. Review status: criteria provided, single submitter. Criteria: Ambry Variant Classification Scheme 2023. Collection method: clinical testing. Allele origin: germline.
Comment: The p.E21K variant (also known as c.61G>A), located in coding exon 1 of the DSP gene, results from a G to A substitution at nucleotide position 61. The glutamic acid at codon 21 is replaced by lysine, an amino acid with similar properties. This variant co-occurred with a frameshift variant in the DSC2 gene in an individual from an arrhythmogenic right ventricular cardiomyopathy cohort (Castelletti S et al. Int. J. Cardiol., 2017 Dec;249:268-273). This amino acid position is highly conserved in available vertebrate species. In addition, this alteration is predicted to be tolerated by in silico analysis. Since supporting evidence is limited at this time, the clinical significance of this alteration remains unclear.

Literature cited by the submitters: PubMed 28527814 (cited by 4 submitters).

NM_004415.4(DSP):c.61G>A (p.Glu21Lys)

Genes: DSP (desmoplakin; plus strand), DSP-AS1 (DSP antisense RNA 1; minus strand). Cytogenetic location: 6p24.3.
Variant type: single nucleotide variant.
Coding change: c.61G>A on transcript NM_004415.4 (MANE Select); coding-DNA position 61, G replaced by A.
Protein change: p.Glu21Lys; replaces glutamic acid 21 with lysine.
Molecular consequence: missense variant.
Genome position (GRCh38, 1-based): chr6:7,541,976, G>A. VCF-style: chr6-7541976-G-A. GRCh37 (hg19) VCF-style: chr6-7542209-G-A.
Other names: p.Glu21Lys; c.61G>A, p.Glu21Lys (NM_001008844.3, NM_001319034.2); c.61G>A (LRG_423t1); short protein forms E21K.
Identifiers: ClinVar variation 465903 (VCV000465903.22), dbSNP rs747956457, ClinGen allele CA047042.